The following is an entry in ClinVar:

NM_001267550.2(TTN):c.11311+5080A>T

Genes: TTN (titin; minus strand), LOC126806432 (CDK7 strongly-dependent group 2 enhancer GRCh37_chr2:179611985-179613184; plus strand). Cytogenetic location: 2q31.2.
Variant type: single nucleotide variant.
Coding change: c.11311+5080A>T on transcript NM_001267550.2 (MANE Select); 5080 bases into the intron after coding-DNA position 11311, A replaced by T.
Molecular consequence: intron variant. On other transcripts: missense variant (1).
Genome position (GRCh38, 1-based): chr2:178,748,044, T>A on the plus strand (A>T on the coding strand, the complement: TTN is on the minus strand). VCF-style: chr2-178748044-T-A. GRCh37 (hg19) VCF-style: chr2-179612771-T-A.
Other names: c.14356A>T, p.Thr4786Ser (NM_133379.5); c.10222+5080A>T (NM_003319.4); c.10798+5080A>T (NM_133437.4); c.10597+5080A>T (NM_133432.3); c.10360+5080A>T (NM_133378.4, NM_001256850.1); short protein forms T4786S.
Identifiers: ClinVar variation 4958717 (VCV004958717.2).
Genomic context (GRCh38, chr2:178,748,044, plus strand): 5'-CTGTATATTCCTGTGTCCCACCATCCTGCTTTGGAAATGCTGCCAACTCTGGTTCTAGAG[T>A]GCATTCTTCTTCCATTTCACCAACCCCTAAAGGCTTTTCCTCACTTGCTGCTTTTTTCAA-3'

ClinVar aggregate classification (germline): Conflicting classifications of pathogenicity. Review status: criteria provided, conflicting classifications (1 of 4 stars). 2 submissions from 2 submitters: Uncertain significance (1); Likely benign (1). Last evaluated 2026-08-07.

Conditions:
TTN-related disorder. Also called: TTN-related disorders; TTN-related condition; TTN-related disease.

gnomAD v4.1: 47 of 1,612,856 alleles (0.0029%); highest among the groups gnomAD compares: Non-Finnish European, 0.0038%; no homozygotes.

Submissions (2):

PreventionGenetics, part of Exact Sciences
Classification: Uncertain significance for TTN-related condition. Last evaluated: 2026-08-07. Review status: criteria provided, single submitter. Criteria: ACMG Guidelines, 2015. Collection method: clinical testing. Allele origin: germline.
Comment: The TTN c.11311+5080A>T variant is predicted to interfere with splicing. This variant is also referred to as c.14356A>T (p.Thr4786Ser) in the Novex-3 transcript NM_133379. This variant is located in exon 46 of the Novex-3 transcript (minor small cardiac isoform) which is the last exon of this transcript. This exon is not included in any other TTN transcripts (principle cardiac or skeletal muscle isoforms). To our knowledge, this variant has not been reported in the literature. This variant is reported in 0.0039% of alleles in individuals of European (Non-Finnish) descent in gnomAD. At this time, the clinical significance of this variant is uncertain due to the absence of conclusive functional and genetic evidence.

Blueprint Genetics
Classification: Likely benign. Last evaluated: 2023-08-15. Review status: criteria provided, single submitter. Criteria: ACMG Guidelines, 2015. Collection method: clinical testing. Allele origin: germline.